The following is an entry in ClinVar:

NM_006767.4(LZTR1):c.1707C>A (p.Tyr569Ter)

Gene: LZTR1 (leucine zipper like post translational regulator 1; plus strand). Cytogenetic location: 22q11.21.
Variant type: single nucleotide variant.
Coding change: c.1707C>A on transcript NM_006767.4 (MANE Select); coding-DNA position 1707, C replaced by A.
Protein change: p.Tyr569Ter; replaces tyrosine 569 with a stop codon.
Molecular consequence: nonsense.
Genome position (GRCh38, 1-based): chr22:20,994,649, C>A. VCF-style: chr22-20994649-C-A. GRCh37 (hg19) VCF-style: chr22-21348938-C-A.
Other names: short protein forms Y569*.
Identifiers: ClinVar variation 3664023 (VCV003664023.2).

ClinVar aggregate classification (germline): Pathogenic (1 of 4 stars; one submission).

Submission:

Labcorp Genetics (formerly Invitae), Labcorp
Classification: Pathogenic. Last evaluated: 2024-08-31. Review status: criteria provided, single submitter. Criteria: Invitae Variant Classification Sherloc (09022015). Collection method: clinical testing. Allele origin: germline.
Comment: This sequence change creates a premature translational stop signal (p.Tyr569*) in the LZTR1 gene. It is expected to result in an absent or disrupted protein product. Loss-of-function variants in LZTR1 are known to be pathogenic (PMID: 24362817, 25335493, 25480913, 25795793, 29469822, 30368668, 30442762, 30442766, 30481304, 30859559). This variant is not present in population databases (gnomAD no frequency). This variant has not been reported in the literature in individuals affected with LZTR1-related conditions. For these reasons, this variant has been classified as Pathogenic.

Literature cited by the submitters: PubMed 24362817; PubMed 25335493; PubMed 25480913; PubMed 25795793; PubMed 29469822; PubMed 30368668; PubMed 30442762; PubMed 30442766; PubMed 30481304; PubMed 30859559.